The following is an entry in ClinVar:

ClinVar aggregate classification (germline): Likely pathogenic (1 of 4 stars; one submission).

Conditions:
Autosomal recessive nonsyndromic hearing loss 23. Identifiers: Orphanet 90636, MedGen C1836027, MONDO:0012293, OMIM 609533.
Usher syndrome type 1F (USH1F). Also called: USHER SYNDROME, TYPE IF. Identifiers: Orphanet 231169, Orphanet 886, MedGen C1865885, MONDO:0011186, OMIM 602083.

Submission:

Otogenetics
Classification: Likely pathogenic for Autosomal recessive nonsyndromic hearing loss 23; Usher syndrome type 1F. Last evaluated: 2026-02-23. Review status: criteria provided, single submitter. Criteria: ACMG Guidelines, 2015. Collection method: clinical testing. Allele origin: germline.
Comment: PVS1: Stop gain variant introduces premature stop codon in gene with loss of function as mechanism of disease, predicted to undergo NMD; PM2: Variant not observed in gnomAD (<0.089% threshold)

NM_001384140.1(PCDH15):c.96C>A (p.Cys32Ter)

Genes: PCDH15 (protocadherin related 15; minus strand), LOC105378311 (uncharacterized LOC105378311; plus strand). Cytogenetic location: 10q21.1.
Variant type: single nucleotide variant.
Coding change: c.96C>A on transcript NM_001384140.1 (MANE Select); coding-DNA position 96, C replaced by A.
Protein change: p.Cys32Ter; replaces cysteine 32 with a stop codon.
Molecular consequence: nonsense. On other transcripts: intron variant (3).
Genome position (GRCh38, 1-based): chr10:54,527,873, G>T on the plus strand (C>A on the coding strand, the complement: PCDH15 is on the minus strand). VCF-style: chr10-54527873-G-T. GRCh37 (hg19) VCF-style: chr10-56287633-G-T.
Other names: c.111C>A, p.Cys37Ter (NM_001142763.2, NM_001142769.4, NM_001142771.2); c.96C>A, p.Cys32Ter (NM_001142764.2, NM_001142765.2, NM_001142766.2 and 8 more transcripts); c.91+136299C>A (NM_001354404.2, NM_001142773.2, NM_001142768.2); short protein forms C32*, C37*.
Identifiers: ClinVar variation 4888441 (VCV004888441.1).